The following is an entry in ClinVar:

NM_001081.4(CUBN):c.4200C>T (p.Gly1400=)

Gene: CUBN (cubilin; minus strand). Cytogenetic location: 10p13.
Variant type: single nucleotide variant.
Coding change: c.4200C>T on transcript NM_001081.4 (MANE Select); coding-DNA position 4200, C replaced by T.
Protein change: p.Gly1400=; no amino-acid change (glycine 1400 retained).
Molecular consequence: synonymous variant.
Genome position (GRCh38, 1-based): chr10:16,990,484, G>A on the plus strand (C>T on the coding strand, the complement: CUBN is on the minus strand). VCF-style: chr10-16990484-G-A. GRCh37 (hg19) VCF-style: chr10-17032483-G-A.
Identifiers: ClinVar variation 695884 (VCV000695884.45), dbSNP rs150663813, ClinGen allele CA5424455.
Genomic context (GRCh38, chr10:16,990,484, plus strand): 5'-GTACCAGATACACTCCTTGTTTGGTGGATACCTGTTGGGGAACCCGGGGCTGCTGAAGGA[G>A]CCTGTGGCCCCAGACAGCTCTCCACCACAACCTGTTAAAACAGAAAGGTTCAGTCAGTTC-3'
Protein context (NP_001072.2, residues 1390-1410): GCGGELSGAT[Gly1400=]SFSSPGFPNR

ClinVar aggregate classification (germline): Benign/Likely benign. Review status: criteria provided, multiple submitters, no conflicts (2 of 4 stars). 9 submissions from 9 submitters: Benign (1); Likely benign (5). 3 of the submissions do not count toward it. Last evaluated 2026-02-01.

Conditions:
CUBN-related disorder. Also called: CUBN-related condition.
Imerslund-Grasbeck syndrome type 1 (IGS1). Also called: Megaloblastic anemia 1, Finnish type; MEGALOBLASTIC ANEMIA, 1; Imerslund-Gräsbeck syndrome 1. Identifiers: MedGen C4016819, MONDO:0100156, OMIM 261100.
Imerslund-Grasbeck syndrome. Also called: Megaloblastic anemia due to inborn errors of metabolism; PERNICIOUS ANEMIA, JUVENILE, DUE TO SELECTIVE INTESTINAL MALABSORPTION OF VITAMIN B12, WITH PROTEINURIA; Imerslund-Gräsbeck syndrome; ENTEROCYTE COBALAMIN MALABSORPTION; ENTEROCYTE INTRINSIC FACTOR RECEPTOR, DEFECT OF. Identifiers: Orphanet 35858, MedGen C4551825, MONDO:0009853.

Allele frequency attached by ClinVar (database versions not stated): gnomAD exomes 0.00014 and 0.00040; ExAC 0.00058; gnomAD 0.00151 and 0.00159; ESP Exome Variant Server 0.00154; TOPMed 0.00161; 1000 Genomes Project 30x 0.00187; 1000 Genomes Project 0.00200.

Submissions (9):

Labcorp Genetics (formerly Invitae), Labcorp
Classification: Benign for Imerslund-Grasbeck syndrome. Last evaluated: 2026-02-01. Review status: criteria provided, single submitter. Criteria: Invitae Variant Classification Sherloc (09022015). Collection method: clinical testing. Allele origin: germline.

Blueprint Genetics
Classification: Likely benign. Last evaluated: 2023-08-22. Review status: criteria provided, single submitter. Criteria: ACMG Guidelines, 2015. Collection method: clinical testing. Allele origin: germline.

CeGaT Center for Human Genetics Tuebingen
Classification: Likely benign. Last evaluated: 2022-10-01. Review status: criteria provided, single submitter. Criteria: CeGaT Center For Human Genetics Tuebingen Variant Classification Criteria Version 2. Collection method: clinical testing. Allele origin: germline. Affected: yes. Observed: 1 variant allele.
Comment: CUBN: BP4, BP7

GeneDx
Classification: Likely benign. Last evaluated: 2020-07-28. Review status: criteria provided, single submitter. Criteria: GeneDx Variant Classification Process June 2021. Collection method: clinical testing. Allele origin: germline. Affected: yes.

Illumina Laboratory Services, Illumina
Classification: Likely benign for Imerslund-Grasbeck syndrome type 1. Last evaluated: 2018-01-13. Review status: criteria provided, single submitter. Criteria: ICSL Variant Classification Criteria 13 December 2019. Collection method: clinical testing. Allele origin: germline.
Comment: This variant was observed in the ICSL laboratory as part of a predisposition screen in an ostensibly healthy population. It had not been previously curated by ICSL or reported in the Human Gene Mutation Database (HGMD: prior to June 1st, 2018), and was therefore a candidate for classification through an automated scoring system. Utilizing variant allele frequency, disease prevalence and penetrance estimates, and inheritance mode, an automated score was calculated to assess if this variant is too frequent to cause the disease. Based on the score and internal cut-off values, a variant classified as likely benign is not then subjected to further curation. The score for this variant resulted in a classification of likely benign for this disease.

Breakthrough Genomics
Classification: Likely benign. Review status: criteria provided, single submitter. Criteria: ACMG Guidelines, 2015. Collection method: not provided. Allele origin: germline. Inheritance: Autosomal recessive inheritance. Affected: yes.

PreventionGenetics, part of Exact Sciences
Classification: Likely benign for CUBN-related condition. Last evaluated: 2020-05-26. Review status: no assertion criteria provided. Collection method: clinical testing. Allele origin: germline. Not counted in ClinVar's aggregate classification.
Comment: This variant is classified as likely benign based on ACMG/AMP sequence variant interpretation guidelines (Richards et al. 2015 PMID: 25741868, with internal and published modifications).

Clinical Genetics DNA and cytogenetics Diagnostics Lab, Erasmus MC, Erasmus Medical Center
Classification: Likely benign. Review status: no assertion criteria provided. Collection method: clinical testing. Allele origin: germline. Affected: yes. Study: VKGL Data-share Consensus. Not counted in ClinVar's aggregate classification.

Genome Diagnostics Laboratory, University Medical Center Utrecht
Classification: Likely benign. Review status: no assertion criteria provided. Collection method: clinical testing. Allele origin: germline. Affected: yes. Study: VKGL Data-share Consensus. Not counted in ClinVar's aggregate classification.